The following is an entry in ClinVar:

ClinVar aggregate classification (germline): Uncertain significance. Review status: criteria provided, multiple submitters, no conflicts (2 of 4 stars). 3 submissions from 3 submitters: Uncertain significance (3). Last evaluated 2026-07-20.

Conditions:
ACOX1-related disorder. Also called: ACOX1-related disorders; ACOX1-related condition.
Inborn genetic diseases. Identifiers: MedGen C0950123, MeSH D030342.
Acyl-CoA oxidase deficiency. Also called: STRAIGHT-CHAIN ACYL-CoA OXIDASE DEFICIENCY; Pseudoneonatal adrenoleukodystrophy; Peroxisomal acyl-CoA oxidase deficiency. Identifiers: Orphanet 2971, MedGen C1849678, MONDO:0009919, OMIM 264470. Disease mechanism: loss of function.

Allele frequency attached by ClinVar (database versions not stated): gnomAD 0.00007; ExAC 0.00013; 1000 Genomes Project 30x 0.00016; 1000 Genomes Project 0.00020.
gnomAD v4.1: 187 of 1,614,194 alleles (0.012%); highest among the groups gnomAD compares: Admixed American, 0.037%; 1 homozygote.

Submissions (3):

PreventionGenetics, part of Exact Sciences
Classification: Uncertain significance for ACOX1-related condition. Last evaluated: 2026-07-20. Review status: criteria provided, single submitter. Criteria: ACMG Guidelines, 2015. Collection method: clinical testing. Allele origin: germline.
Comment: The ACOX1 c.1532G>T variant is predicted to result in the amino acid substitution p.Ser511Ile. To our knowledge, this variant has not been reported in the literature. This variant is reported in 0.042% of alleles in individuals of Latino descent in gnomAD. At this time, the clinical significance of this variant is uncertain due to the absence of conclusive functional and genetic evidence.

Labcorp Genetics (formerly Invitae), Labcorp
Classification: Uncertain significance for Acyl-CoA oxidase deficiency. Last evaluated: 2026-02-01. Review status: criteria provided, single submitter. Criteria: Invitae Variant Classification Sherloc (09022015). Collection method: clinical testing. Allele origin: germline.
Comment: This sequence change replaces serine, which is neutral and polar, with isoleucine, which is neutral and non-polar, at codon 511 of the ACOX1 protein (p.Ser511Ile). This variant is present in population databases (rs138050619, gnomAD 0.04%). This variant has not been reported in the literature in individuals affected with ACOX1-related conditions. ClinVar contains an entry for this variant (Variation ID: 2080954). Invitae Evidence Modeling of protein sequence and biophysical properties (such as structural, functional, and spatial information, amino acid conservation, physicochemical variation, residue mobility, and thermodynamic stability) has been performed for this missense variant. However, the output from this modeling did not meet the statistical confidence thresholds required to predict the impact of this variant on ACOX1 protein function. In summary, the available evidence is currently insufficient to determine the role of this variant in disease. Therefore, it has been classified as a Variant of Uncertain Significance.

Ambry Genetics
Classification: Uncertain significance for Inborn genetic diseases. Last evaluated: 2024-04-08. Review status: criteria provided, single submitter. Criteria: Ambry Variant Classification Scheme 2023. Collection method: clinical testing. Allele origin: germline.

NM_004035.7(ACOX1):c.1532G>T (p.Ser511Ile)

Gene: ACOX1 (acyl-CoA oxidase 1; minus strand). Cytogenetic location: 17q25.1.
Variant type: single nucleotide variant.
Coding change: c.1532G>T on transcript NM_004035.7 (MANE Select); coding-DNA position 1532, G replaced by T.
Protein change: p.Ser511Ile; replaces serine 511 with isoleucine.
Molecular consequence: missense variant.
Genome position (GRCh38, 1-based): chr17:75,949,547, C>A on the plus strand (G>T on the coding strand, the complement: ACOX1 is on the minus strand). VCF-style: chr17-75949547-C-A. GRCh37 (hg19) VCF-style: chr17-73945628-C-A.
Other names: c.1532G>T (NM_004035.6); c.1418G>T, p.Ser473Ile (NM_001185039.2); c.1532G>T, p.Ser511Ile (NM_007292.6); short protein forms S473I, S511I.
Identifiers: ClinVar variation 2080954 (VCV002080954.7), dbSNP rs138050619, ClinGen allele CA8776741.